The following is an entry in ClinVar:

NM_000191.3(HMGCL):c.48_60+289del

Gene: HMGCL (3-hydroxy-3-methylglutaryl-CoA lyase; minus strand). Cytogenetic location: 1p36.11.
Variant type: Deletion.
Coding change: c.48_60+289del on transcript NM_000191.3 (MANE Select); coding-DNA position 48 through 289 bases into the intron after coding-DNA position 60, 302 bases deleted.
Molecular consequence: splice donor variant.
Genome position (GRCh38, 1-based): chr1:23,825,067-23,825,368, 302 bases deleted. GRCh37 (hg19): chr1:24,151,561-24,151,862.
Other names: c.48_60+289del (NM_001166059.2).
Identifiers: ClinVar variation 2763180 (VCV002763180.3), dbSNP rs2521505359, ClinGen allele CA2697552259.

ClinVar aggregate classification (germline): Likely pathogenic (1 of 4 stars; one submission).

Conditions:
Deficiency of hydroxymethylglutaryl-CoA lyase (HMGCLD). Also called: HMG-CoA LYASE DEFICIENCY; HMGCL DEFICIENCY; HYDROXYMETHYLGLUTARIC ACIDURIA; Defect in leucine metabolism; 3-hydroxy-3-methylglutaric aciduria. Identifiers: Orphanet 20, MedGen C1533587, MONDO:0009520, OMIM 246450.

Submission:

Labcorp Genetics (formerly Invitae), Labcorp
Classification: Likely pathogenic for Deficiency of hydroxymethylglutaryl-CoA lyase. Last evaluated: 2023-09-24. Review status: criteria provided, single submitter. Criteria: Invitae Variant Classification Sherloc (09022015). Collection method: clinical testing. Allele origin: germline.
Comment: This variant results in the deletion of part of exon 1 (c.48_60+289del) of the HMGCL gene. It is expected to disrupt RNA splicing. Variants that disrupt the donor or acceptor splice site typically lead to a loss of protein function (PMID: 16199547), and loss-of-function variants in HMGCL are known to be pathogenic (PMID: 9817922, 17692550, 23465862). This variant is not present in population databases (gnomAD no frequency). This variant has not been reported in the literature in individuals affected with HMGCL-related conditions. In summary, the currently available evidence indicates that the variant is pathogenic, but additional data are needed to prove that conclusively. Therefore, this variant has been classified as Likely Pathogenic.

Literature cited by the submitters: PubMed 16199547; PubMed 9817922; PubMed 17692550; PubMed 23465862.